The following is an entry in ClinVar:

ClinVar aggregate classification (germline): Likely benign (1 of 4 stars; one submission).

Submission:

CeGaT Center for Human Genetics Tuebingen
Classification: Likely benign. Last evaluated: 2025-08-01. Review status: criteria provided, single submitter. Criteria: CeGaT Center For Human Genetics Tuebingen Variant Classification Criteria Version 2. Collection method: clinical testing. Allele origin: germline. Affected: yes. Observed: 1 variant allele.
Comment: GPC3: PM2:Supporting, BP4, BP7

NM_004484.4(GPC3):c.828T>C (p.Gly276=)

Gene: GPC3 (glypican 3; minus strand). Cytogenetic location: Xq26.2.
Variant type: single nucleotide variant.
Coding change: c.828T>C on transcript NM_004484.4 (MANE Select); coding-DNA position 828, T replaced by C.
Protein change: p.Gly276=; no amino-acid change (glycine 276 retained).
Molecular consequence: synonymous variant.
Genome position (GRCh38, 1-based): chrX:133,753,686, A>G on the plus strand (T>C on the coding strand, the complement: GPC3 is on the minus strand). VCF-style: chrX-133753686-A-G. GRCh37 (hg19) VCF-style: chrX-132887713-A-G.
Other names: c.828T>C, p.Gly276= (NM_001164617.2); c.780T>C, p.Gly260= (NM_001164618.2); c.666T>C, p.Gly222= (NM_001164619.2).
Identifiers: ClinVar variation 4084182 (VCV004084182.8).